The following is an entry in ClinVar:

ClinVar aggregate classification (germline): Uncertain significance (1 of 4 stars; one submission).

Submission:

Dasa
Classification: Uncertain significance. Last evaluated: 2025-09-17. Review status: criteria provided, single submitter. Criteria: DASA Assertion Criteria. Collection method: clinical testing. Allele origin: germline.
Comment: NM_001079668.3(NKX2-1):c.823C>T (p.Pro275Ser) is a missense variant that results in the substitution of proline with serine. This variant is rare in population databases. The currently available literature and clinical evidence are not sufficient to establish a definitive association between this variant and the reported condition. Therefore, this variant is classified as a variant of uncertain significance.

NM_001079668.3(NKX2-1):c.823C>T (p.Pro275Ser)

Genes: SFTA3 (surfactant associated 3; minus strand), NKX2-1 (NK2 homeobox 1; minus strand). Cytogenetic location: 14q13.3.
Variant type: single nucleotide variant.
Coding change: c.823C>T on transcript NM_001079668.3 (MANE Select); coding-DNA position 823, C replaced by T.
Protein change: p.Pro275Ser; replaces proline 275 with serine.
Molecular consequence: missense variant.
Genome position (GRCh38, 1-based): chr14:36,517,661, G>A on the plus strand (C>T on the coding strand, the complement: NKX2-1 is on the minus strand). VCF-style: chr14-36517661-G-A. GRCh37 (hg19) VCF-style: chr14-36986866-G-A.
Other names: c.733C>T, p.Pro245Ser (NM_003317.4); short protein forms P245S, P275S.
Identifiers: ClinVar variation 4882966 (VCV004882966.2).
Genomic context (GRCh38, chr14:36,517,661, plus strand): 5'-TCACCAGGACCGGCACCGCCACGCGTCGCGGCGACTGCTGCTGAGCCTGTTGCTGCTGCG[G>A]GCACCCGGTGCCCCCGCCGCCCCCGCCGCCGCCGCTGTCCTGCTGCAGTTGCTGCTGCGC-3'
Protein context (NP_001073136.1, residues 265-285): GGGGGGGTGC[Pro275Ser]QQQQAQQQSP